The following is an entry in ClinVar:

NM_018133.4(MSL2):c.658G>T (p.Val220Leu)

Gene: MSL2 (MSL complex subunit 2; minus strand). Cytogenetic location: 3q22.3.
Variant type: single nucleotide variant.
Coding change: c.658G>T on transcript NM_018133.4 (MANE Select); coding-DNA position 658, G replaced by T.
Protein change: p.Val220Leu; replaces valine 220 with leucine.
Molecular consequence: missense variant.
Genome position (GRCh38, 1-based): chr3:136,152,223, C>A on the plus strand (G>T on the coding strand, the complement: MSL2 is on the minus strand). VCF-style: chr3-136152223-C-A. GRCh37 (hg19) VCF-style: chr3-135871065-C-A.
Other names: c.436G>T, p.Val146Leu (NM_001145417.2); short protein forms V220L, V146L.
Identifiers: ClinVar variation 2561093 (VCV002561093.4), dbSNP rs138484914, ClinGen allele CA2631391.

ClinVar aggregate classification (germline): Conflicting classifications of pathogenicity. Review status: criteria provided, conflicting classifications (1 of 4 stars). 2 submissions from 2 submitters: Uncertain significance (1); Likely benign (1). Last evaluated 2026-04-01.

Allele frequency attached by ClinVar (database versions not stated): 1000 Genomes Project 30x 0.00016; 1000 Genomes Project 0.00020.
gnomAD v4.1: 74 of 1,614,066 alleles (0.0046%); highest among the groups gnomAD compares: Middle Eastern, 0.28%; no homozygotes.

Submissions (2):

CeGaT Center for Human Genetics Tuebingen
Classification: Likely benign. Last evaluated: 2026-04-01. Review status: criteria provided, single submitter. Criteria: CeGaT Center For Human Genetics Tuebingen Variant Classification Criteria Version 2. Collection method: clinical testing. Allele origin: germline. Affected: yes. Observed: 1 variant allele.
Comment: MSL2: BS2

Ambry Genetics
Classification: Uncertain significance. Last evaluated: 2023-04-20. Review status: criteria provided, single submitter. Criteria: Ambry Variant Classification Scheme 2023. Collection method: clinical testing. Allele origin: germline.